The following is an entry in ClinVar:

ClinVar aggregate classification (germline): Benign. Review status: criteria provided, multiple submitters, no conflicts (2 of 4 stars). 8 submissions from 8 submitters: Benign (6). 2 of the submissions do not count toward it. Last evaluated 2026-07-15.

Conditions:
TDP1-related disorder. Also called: TDP1-related condition.
Spinocerebellar ataxia, autosomal recessive, with axonal neuropathy 1 (SCAN1). Identifiers: Orphanet 94124, MedGen C4759870, MONDO:0011801, OMIM 607250.

Allele frequency attached by ClinVar (database versions not stated): gnomAD exomes 0.00063 and 0.00154; ExAC 0.00202; gnomAD 0.00600 and 0.00639; ESP Exome Variant Server 0.00608; TOPMed 0.00686; 1000 Genomes Project 0.00839; 1000 Genomes Project 30x 0.00984.
gnomAD v4.1: 1,893 of 1,611,362 alleles (0.12%); highest among the groups gnomAD compares: African/African-American, 2.2%; 19 homozygotes.

Submissions (13):

PreventionGenetics, part of Exact Sciences
Classification: Benign for TDP1-related condition. Last evaluated: 2026-07-15. Review status: criteria provided, single submitter. Criteria: ACMG Guidelines, 2015. Collection method: clinical testing. Allele origin: germline.
Comment: This variant is classified as benign based on ACMG/AMP sequence variant interpretation guidelines (Richards et al. 2015 PMID: 25741868, with internal and published modifications).

Athena Diagnostics
Classification: Benign. Last evaluated: 2024-11-18. Review status: criteria provided, single submitter. Criteria: Athena Diagnostics Criteria. Collection method: clinical testing. Allele origin: unknown.

Mayo Clinic Laboratories, Mayo Clinic
Classification: Benign. Last evaluated: 2023-05-26. Review status: criteria provided, single submitter. Criteria: ACMG Guidelines, 2015. Collection method: clinical testing. Allele origin: germline. Observed: 4 variant alleles.
Comment: BA1, BP4, BP7

Labcorp Genetics (formerly Invitae), Labcorp
Classification: Benign. Last evaluated: 2019-12-31. Review status: criteria provided, single submitter. Criteria: Invitae Variant Classification Sherloc (09022015). Collection method: clinical testing. Allele origin: germline.

Illumina Laboratory Services, Illumina
Classification: Benign for Spinocerebellar ataxia, autosomal recessive, with axonal neuropathy 1. Last evaluated: 2018-01-12. Review status: criteria provided, single submitter. Criteria: ICSL Variant Classification Criteria 13 December 2019. Collection method: clinical testing. Allele origin: germline.
Comment: This variant was observed in the ICSL laboratory as part of a predisposition screen in an ostensibly healthy population. It had not been previously curated by ICSL or reported in the Human Gene Mutation Database (HGMD: prior to June 1st, 2018), and was therefore a candidate for classification through an automated scoring system. Utilizing variant allele frequency, disease prevalence and penetrance estimates, and inheritance mode, an automated score was calculated to assess if this variant is too frequent to cause the disease. Based on the score and internal cut-off values, a variant classified as benign is not then subjected to further curation. The score for this variant resulted in a classification of benign for this disease.

Breakthrough Genomics
Classification: Benign. Review status: criteria provided, single submitter. Criteria: ACMG Guidelines, 2015. Collection method: not provided. Allele origin: germline. Inheritance: Autosomal recessive inheritance. Affected: yes.

Clinical Genetics DNA and cytogenetics Diagnostics Lab, Erasmus MC, Erasmus Medical Center
Classification: Benign. Review status: no assertion criteria provided. Collection method: clinical testing. Allele origin: germline. Affected: yes. Study: VKGL Data-share Consensus. Not counted in ClinVar's aggregate classification.

Clinical Genetics, Academic Medical Center
Classification: Benign. Review status: no assertion criteria provided. Collection method: clinical testing. Allele origin: germline. Affected: yes. Study: VKGL Data-share Consensus. Not counted in ClinVar's aggregate classification.

Dr. Peter K. Rogan Lab, Western University
No classification provided (evidence only). Condition: Acute myeloid leukemia. Review status: no classification provided. Collection method: in vitro. Allele origin: not applicable. Functional consequence: retained intron. Not counted in ClinVar's aggregate classification.

Dr. Peter K. Rogan Lab, Western University
No classification provided (evidence only). Condition: Cervical cancer. Review status: no classification provided. Collection method: in vitro. Allele origin: not applicable. Functional consequence: retained intron. Not counted in ClinVar's aggregate classification.

Dr. Peter K. Rogan Lab, Western University
No classification provided (evidence only). Condition: Sarcoma. Review status: no classification provided. Collection method: in vitro. Allele origin: not applicable. Functional consequence: retained intron. Not counted in ClinVar's aggregate classification.

Dr. Peter K. Rogan Lab, Western University
No classification provided (evidence only). Condition: Sarcoma. Review status: no classification provided. Collection method: in vitro. Allele origin: not applicable. Functional consequence: retained intron. Not counted in ClinVar's aggregate classification.

Dr. Peter K. Rogan Lab, Western University
No classification provided (evidence only). Condition: Uterine carcinosarcoma. Review status: no classification provided. Collection method: in vitro. Allele origin: not applicable. Functional consequence: retained intron. Not counted in ClinVar's aggregate classification.

NM_018319.4(TDP1):c.1098A>G (p.Gln366=)

Gene: TDP1 (tyrosyl-DNA phosphodiesterase 1; plus strand). Cytogenetic location: 14q32.11.
Variant type: single nucleotide variant.
Coding change: c.1098A>G on transcript NM_018319.4 (MANE Select); coding-DNA position 1098, A replaced by G.
Protein change: p.Gln366=; no amino-acid change (glutamine 366 retained).
Molecular consequence: synonymous variant.
Genome position (GRCh38, 1-based): chr14:89,985,177, A>G. VCF-style: chr14-89985177-A-G. GRCh37 (hg19) VCF-style: chr14-90451521-A-G.
Other names: NC_000014.8:g.90451521A>G; p.Gln366=; c.1098A>G, p.Gln366= (NM_001008744.2, NM_001330205.2).
Identifiers: ClinVar variation 314833 (VCV000314833.18), dbSNP rs34563565, ClinGen allele CA7303833.
Genomic context (GRCh38, chr14:89,985,177, plus strand): 5'-TTTATGTCTTTTTAGTGTTTATCTTATTGGTTCAACCCCAGGACGCTTTCAAGGAAGTCA[A>G]AAAGATAATTGGGGACATTTTAGACTTAAGAAGGTAACAGAACTTTTACTATTTTAACAT-3'
Protein context (NP_060789.2, residues 356-376): GSTPGRFQGS[Gln366=]KDNWGHFRLK